The following is an entry in ClinVar:

ClinVar aggregate classification (germline): Likely benign. Review status: criteria provided, multiple submitters, no conflicts (2 of 4 stars). 2 submissions from 2 submitters: Likely benign (2). Last evaluated 2018-06-19.

Allele frequency attached by ClinVar (database versions not stated): TOPMed 0.01729; gnomAD 0.01912 and 0.01983; 1000 Genomes Project 0.02596; 1000 Genomes Project 30x 0.02670.
gnomAD v4.1: 35,338 of 1,459,732 alleles (2.4%); highest among the groups gnomAD compares: East Asian, 4.1%; 524 homozygotes.

Submissions (2):

GeneDx
Classification: Likely benign. Last evaluated: 2018-06-19. Review status: criteria provided, single submitter. Criteria: GeneDx Variant Classification (06012015). Collection method: clinical testing. Allele origin: germline. Affected: yes.
Comment: This variant is considered likely benign or benign based on one or more of the following criteria: it is a conservative change, it occurs at a poorly conserved position in the protein, it is predicted to be benign by multiple in silico algorithms, and/or has population frequency not consistent with disease.

Breakthrough Genomics
Classification: Likely benign. Review status: criteria provided, single submitter. Criteria: ACMG Guidelines, 2015. Collection method: not provided. Allele origin: germline. Inheritance: Autosomal dominant inheritance. Affected: yes.

NM_000093.5(COL5A1):c.2187+101C>T

Gene: COL5A1 (collagen type V alpha 1 chain; plus strand). Cytogenetic location: 9q34.3.
Variant type: single nucleotide variant.
Coding change: c.2187+101C>T on transcript NM_000093.5 (MANE Select); 101 bases into the intron after coding-DNA position 2187, C replaced by T.
Molecular consequence: intron variant.
Genome position (GRCh38, 1-based): chr9:134,767,154, C>T. VCF-style: chr9-134767154-C-T. GRCh37 (hg19) VCF-style: chr9-137659000-C-T.
Other names: c.2187+101C>T (NM_001278074.1).
Identifiers: ClinVar variation 673129 (VCV000673129.2), dbSNP rs72774432, ClinGen allele CA201094978.